The following is an entry in ClinVar:

NM_006416.5(SLC35A1):c.694G>C (p.Glu232Gln)

Gene: SLC35A1 (solute carrier family 35 member A1; plus strand). Cytogenetic location: 6q15.
Variant type: single nucleotide variant.
Coding change: c.694G>C on transcript NM_006416.5 (MANE Select); coding-DNA position 694, G replaced by C.
Protein change: p.Glu232Gln; replaces glutamic acid 232 with glutamine.
Molecular consequence: missense variant. On other transcripts: intron variant (1).
Genome position (GRCh38, 1-based): chr6:87,508,539, G>C. VCF-style: chr6-87508539-G-C. GRCh37 (hg19) VCF-style: chr6-88218257-G-C.
Other names: c.575-502G>C (NM_001168398.2); short protein forms E232Q.
Identifiers: ClinVar variation 5041543 (VCV005041543.1).
Genomic context (GRCh38, chr6:87,508,539, plus strand): 5'-CAAATGTATCTATCAGGGATTATTGTGACATTAGCTGGCGTCTACTTGTCAGATGGAGCT[G>C]AAATTAAAGAAAAAGGATTTTTCTATGGTTACACATATTATGTCTGGTTTGTCATCTGTA-3'
Protein context (NP_006407.1, residues 222-242): LAGVYLSDGA[Glu232Gln]IKEKGFFYGY

ClinVar aggregate classification (germline): Uncertain significance (1 of 4 stars; one submission).

Submission:

CeGaT Center for Human Genetics Tuebingen
Classification: Uncertain significance. Last evaluated: 2026-09-01. Review status: criteria provided, single submitter. Criteria: CeGaT Center For Human Genetics Tuebingen Variant Classification Criteria Version 2. Collection method: clinical testing. Allele origin: germline. Affected: yes. Observed: 1 variant allele.
Comment: SLC35A1: PM2, BP4